The following is an entry in ClinVar:

NM_003227.4(TFR2):c.1398del (p.Arg468fs)

Gene: TFR2 (transferrin receptor 2; minus strand). Cytogenetic location: 7q22.1.
Variant type: Deletion.
Coding change: c.1398del on transcript NM_003227.4 (MANE Select); coding-DNA position 1398, one base deleted (G; older notation c.1398delG).
Protein change: p.Arg468fs; shifts the reading frame from arginine 468.
Molecular consequence: frameshift variant.
Genome position (GRCh38, 1-based): chr7:100,628,299, C deleted on the plus strand (G on the coding strand, the reverse complement: TFR2 is on the minus strand); the first of 2 consecutive C bases (chr7:100,628,299-100,628,300); deleting either gives the same sequence. VCF-style (leftmost placement, unchanged base first): chr7-100628298-GC-G. GRCh37 (hg19) VCF-style: chr7-100225921-GC-G.
Other names: c.1398del (NM_003227.3); c.885del, p.Arg297fs (NM_001206855.3); short protein forms R468fs, R297fs.
Identifiers: ClinVar variation 461197 (VCV000461197.12), dbSNP rs773050231, ClinGen allele CA4386452.

ClinVar aggregate classification (germline): Pathogenic/Likely pathogenic. Review status: criteria provided, multiple submitters, no conflicts (2 of 4 stars). 2 submissions from 2 submitters: Pathogenic (1); Likely pathogenic (1). Last evaluated 2025-11-27.

Conditions:
Hereditary hemochromatosis (HFE). Identifiers: MedGen C0392514, MONDO:0006507. Disease mechanism: loss of function.
Hemochromatosis type 3 (HFE3). Also called: HEMOCHROMATOSIS DUE TO DEFECT IN TRANSFERRIN RECEPTOR 2; TFR2-Related Hemochromatosis; Hereditary hemochromatosis type 3. Identifiers: Orphanet 225123, MedGen C1858664, MONDO:0011417, OMIM 604250.

Submissions (2):

Labcorp Genetics (formerly Invitae), Labcorp
Classification: Pathogenic for Hereditary hemochromatosis. Last evaluated: 2025-11-27. Review status: criteria provided, single submitter. Criteria: Invitae Variant Classification Sherloc (09022015). Collection method: clinical testing. Allele origin: germline.
Comment: This sequence change creates a premature translational stop signal (p.Arg468Alafs*23) in the TFR2 gene. It is expected to result in an absent or disrupted protein product. Loss-of-function variants in TFR2 are known to be pathogenic (PMID: 23600741, 26029709). This variant is present in population databases (rs773050231, gnomAD 0.08%). This variant has not been reported in the literature in individuals affected with TFR2-related conditions. ClinVar contains an entry for this variant (Variation ID: 461197). For these reasons, this variant has been classified as Pathogenic.

Baylor Genetics
Classification: Likely pathogenic for Hemochromatosis type 3. Last evaluated: 2024-03-08. Review status: criteria provided, single submitter. Criteria: ACMG Guidelines, 2015. Collection method: clinical testing. Allele origin: unknown.

Literature cited by the submitters: PubMed 23600741 (cited by Labcorp Genetics (formerly Invitae), Labcorp); PubMed 26029709 (cited by Labcorp Genetics (formerly Invitae), Labcorp).